The following is an entry in ClinVar:

ClinVar aggregate classification (germline): Pathogenic (1 of 4 stars; one submission).

Conditions:
Wilson disease (WND). Also called: Wilson's disease. Identifiers: Orphanet 905, MedGen C0019202, MONDO:0010200, OMIM 277900. Disease mechanism: loss of function.

gnomAD v4.1: 5 of 1,614,114 alleles (0.00031%); highest among the groups gnomAD compares: Non-Finnish European, 0.00042%; no homozygotes.

Submission:

Labcorp Genetics (formerly Invitae), Labcorp
Classification: Pathogenic for Wilson disease. Last evaluated: 2026-01-28. Review status: criteria provided, single submitter. Criteria: Invitae Variant Classification Sherloc (09022015). Collection method: clinical testing. Allele origin: germline.
Comment: This sequence change creates a premature translational stop signal (p.Gln1142*) in the ATP7B gene. It is expected to result in an absent or disrupted protein product. Loss-of-function variants in ATP7B are known to be pathogenic (PMID: 10441329, 16283883). This variant is present in population databases (rs747255077, gnomAD 0.003%). This premature translational stop signal has been observed in individual(s) with Wilson disease (PMID: 10544227, 35220961). ClinVar contains an entry for this variant (Variation ID: 3721333). Algorithms developed to predict the effect of sequence changes on RNA splicing suggest that this variant may disrupt the consensus splice site. For these reasons, this variant has been classified as Pathogenic.

Literature cited by the submitters: PubMed 10441329; PubMed 16283883; PubMed 10544227; PubMed 35220961.

NM_000053.4(ATP7B):c.3424C>T (p.Gln1142Ter)

Gene: ATP7B (ATPase copper transporting beta; minus strand). Cytogenetic location: 13q14.3.
Variant type: single nucleotide variant.
Coding change: c.3424C>T on transcript NM_000053.4 (MANE Select); coding-DNA position 3424, C replaced by T.
Protein change: p.Gln1142Ter; replaces glutamine 1142 with a stop codon.
Molecular consequence: nonsense. On other transcripts: intron variant (2).
Genome position (GRCh38, 1-based): chr13:51,941,213, G>A on the plus strand (C>T on the coding strand, the complement: ATP7B is on the minus strand). VCF-style: chr13-51941213-G-A. GRCh37 (hg19) VCF-style: chr13-52515349-G-A.
Other names: c.2803C>T, p.Gln935Ter (NM_001005918.3); c.3091C>T, p.Gln1031Ter (NM_001243182.2); c.3190C>T, p.Gln1064Ter (NM_001330578.2, NM_001406527.1, NM_001406528.1); c.3172C>T, p.Gln1058Ter (NM_001330579.2, NM_001406531.1, NM_001406532.1); c.3424C>T, p.Gln1142Ter (NM_001406511.1, NM_001406512.1, NM_001406526.1); c.3418C>T, p.Gln1140Ter (NM_001406513.1); c.3391C>T, p.Gln1131Ter (NM_001406514.1); c.3370C>T, p.Gln1124Ter (NM_001406515.1, NM_001406516.1); and 20 more; short protein forms Q1032*, Q1058*, Q1097*, Q1140*, Q993*, Q1046*, Q1064*, Q1124*.
Identifiers: ClinVar variation 3721333 (VCV003721333.2).
Genomic context (GRCh38, chr13:51,941,213, plus strand): 5'-AAATGGTTAAACCGTTGCGCCTCAGCCACTCACGGTTTCCAATCAGCACAGAGAAGGTCT[G>A]GGGGACTGCATCTATTCAAAAGAGGCTGTGGTTATTTCTAAATGGTCCAATTTCACTGTG-3'